The following is an entry in ClinVar:

NM_032620.4(GTPBP3):c.203C>G (p.Pro68Arg)

Gene: GTPBP3 (GTP binding protein 3, mitochondrial; plus strand). Cytogenetic location: 19p13.11.
Variant type: single nucleotide variant.
Coding change: c.203C>G on transcript NM_032620.4 (MANE Select); coding-DNA position 203, C replaced by G.
Protein change: p.Pro68Arg; replaces proline 68 with arginine.
Molecular consequence: missense variant.
Genome position (GRCh38, 1-based): chr19:17,338,157, C>G. VCF-style: chr19-17338157-C-G. GRCh37 (hg19) VCF-style: chr19-17448966-C-G.
Other names: c.203C>G, p.Pro68Arg (NM_001128855.3, NM_133644.4); c.269C>G, p.Pro90Arg (NM_001195422.1); short protein forms P90R, P68R.
Identifiers: ClinVar variation 1493054 (VCV001493054.9), dbSNP rs780592147, ClinGen allele CA9293256.

ClinVar aggregate classification (germline): Conflicting classifications of pathogenicity. Review status: criteria provided, conflicting classifications (1 of 4 stars). 2 submissions from 2 submitters: Uncertain significance (1); Likely benign (1). Last evaluated 2023-07-14.

Submissions (2):

Labcorp Genetics (formerly Invitae), Labcorp
Classification: Uncertain significance. Last evaluated: 2023-07-14. Review status: criteria provided, single submitter. Criteria: Invitae Variant Classification Sherloc (09022015). Collection method: clinical testing. Allele origin: germline.
Comment: In summary, the available evidence is currently insufficient to determine the role of this variant in disease. Therefore, it has been classified as a Variant of Uncertain Significance. An algorithm developed to predict the effect of missense changes on protein structure and function (PolyPhen-2) suggests that this variant is likely to be tolerated. ClinVar contains an entry for this variant (Variation ID: 1493054). This variant has not been reported in the literature in individuals affected with GTPBP3-related conditions. This variant is present in population databases (rs780592147, gnomAD 0.003%). This sequence change replaces proline, which is neutral and non-polar, with arginine, which is basic and polar, at codon 68 of the GTPBP3 protein (p.Pro68Arg).

Blueprint Genetics
Classification: Likely benign. Last evaluated: 2019-08-13. Review status: criteria provided, single submitter. Criteria: ACMG Guidelines, 2015. Collection method: clinical testing. Allele origin: germline.